The following is an entry in ClinVar:

NM_001032283.3(TMPO):c.565+2051T>A

Gene: TMPO (thymopoietin; plus strand). Cytogenetic location: 12q23.1.
Variant type: single nucleotide variant.
Coding change: c.565+2051T>A on transcript NM_001032283.3 (MANE Select); 2051 bases into the intron after coding-DNA position 565, T replaced by A.
Molecular consequence: intron variant. On other transcripts: synonymous variant (1).
Genome position (GRCh38, 1-based): chr12:98,533,889, T>A. VCF-style: chr12-98533889-T-A. GRCh37 (hg19) VCF-style: chr12-98927667-T-A.
Other names: p.I544I:ATT>ATA; c.1632T>A, p.Ile544= (NM_003276.2); c.565+2051T>A (NM_001307975.2, NM_001032284.3).
Identifiers: ClinVar variation 44666 (VCV000044666.21), dbSNP rs12316677, ClinGen allele CA134808.

ClinVar aggregate classification (germline): Benign. Review status: criteria provided, multiple submitters, no conflicts (2 of 4 stars). 5 submissions from 5 submitters: Benign (5). Last evaluated 2026-02-02.

Conditions:
Loeys-Dietz syndrome 2 (LDS2). Also called: TGFBR2-Related Loeys-Dietz Syndrome; Marfan Syndrome type 2; Marfan like connective tissue disorder; MFS 2; AORTIC ANEURYSM, FAMILIAL THORACIC 3; MARFAN SYNDROME, TYPE II. Identifiers: Orphanet 284973, Orphanet 558, MedGen C2674574, MONDO:0012427, OMIM 610168.

Allele frequency attached by ClinVar (database versions not stated): gnomAD exomes 0.00125 and 0.00350; 1000 Genomes Project 0.01577; ESP Exome Variant Server 0.01707; ExAC 0.00435; gnomAD 0.01280; TOPMed 0.01498; 1000 Genomes Project 30x 0.01889.
gnomAD v4.1: 4,029 of 1,614,170 alleles (0.25%); highest among the groups gnomAD compares: African/African-American, 4.8%; 75 homozygotes.

Submissions (5):

Labcorp Genetics (formerly Invitae), Labcorp
Classification: Benign for Loeys-Dietz syndrome 2. Last evaluated: 2026-02-02. Review status: criteria provided, single submitter. Criteria: Invitae Variant Classification Sherloc (09022015). Collection method: clinical testing. Allele origin: germline.

Ambry Genetics
Classification: Benign. Last evaluated: 2016-01-15. Review status: criteria provided, single submitter. Criteria: Ambry Variant Classification Scheme 2023. Collection method: clinical testing. Allele origin: germline.

GeneDx
Classification: Benign. Last evaluated: 2014-04-20. Review status: criteria provided, single submitter. Criteria: GeneDx Variant Classification (06012015). Collection method: clinical testing. Allele origin: germline. Affected: yes.
Comment: This variant is considered likely benign or benign based on one or more of the following criteria: it is a conservative change, it occurs at a poorly conserved position in the protein, it is predicted to be benign by multiple in silico algorithms, and/or has population frequency not consistent with disease.

Laboratory for Molecular Medicine, Mass General Brigham Personalized Medicine
Classification: Benign. Last evaluated: 2012-03-19. Review status: criteria provided, single submitter. Criteria: LMM Criteria. Collection method: clinical testing. Allele origin: germline. Observed: 19 variant alleles.
Comment: p.Ile544Ile in Exon 04 of TMPO: This variant is not expected to have clinical si gnificance because it does not alter an amino acid residue, is not located withi n the splice consensus sequence and has been identified in 4.9% (183/3738) of Af rican American chromosomes from a broad population by the NHLBI Exome Sequencing Project (dbSNP rs12316677).

Breakthrough Genomics
Classification: Benign. Review status: criteria provided, single submitter. Criteria: ACMG Guidelines, 2015. Collection method: not provided. Allele origin: germline. Inheritance: Unknown mechanism. Affected: yes.